The following is an entry in ClinVar:

NC_000012.12:g.121641407G>A

Gene: ORAI1 (ORAI calcium release-activated calcium modulator 1; plus strand). Cytogenetic location: 12q24.31.
Variant type: single nucleotide variant.
Genome position: GRCh38 VCF-style: chr12-121641407-G-A. GRCh37 (hg19) VCF-style: chr12-122079313-G-A.
Other names: c.670G>A, p.Val224Ile (NM_032790.4); short protein forms V224I.
Identifiers: ClinVar variation 1424045 (VCV001424045.6), dbSNP rs782722476, ClinGen allele CA386984116.

ClinVar aggregate classification (germline): Uncertain significance (1 of 4 stars; one submission).

Conditions:
Combined immunodeficiency due to ORAI1 deficiency. Also called: IMMUNODEFICIENCY 9. Identifiers: Orphanet 169090, Orphanet 317428, MedGen C2748568, MONDO:0013007, OMIM 612782.
Myopathy, tubular aggregate, 2 (TAM2). Identifiers: MedGen C4014557, MONDO:0014383, OMIM 615883.

Submission:

Labcorp Genetics (formerly Invitae), Labcorp
Classification: Uncertain significance for Myopathy, tubular aggregate, 2; Combined immunodeficiency due to ORAI1 deficiency. Last evaluated: 2026-01-05. Review status: criteria provided, single submitter. Criteria: Invitae Variant Classification Sherloc (09022015). Collection method: clinical testing. Allele origin: germline.
Comment: This sequence change replaces valine, which is neutral and non-polar, with isoleucine, which is neutral and non-polar, at codon 224 of the ORAI1 protein (p.Val224Ile). This variant is present in population databases (no rsID available, gnomAD 0.007%). This variant has not been reported in the literature in individuals affected with ORAI1-related conditions. ClinVar contains an entry for this variant (Variation ID: 1424045). Experimental studies and prediction algorithms are not available or were not evaluated, and the functional significance of this variant is currently unknown. In summary, the available evidence is currently insufficient to determine the role of this variant in disease. Therefore, it has been classified as a Variant of Uncertain Significance.